The following is an entry in ClinVar:

ClinVar aggregate classification (germline): Uncertain significance (1 of 4 stars; one submission).

Conditions:
Cardiovascular phenotype. Identifiers: MedGen CN230736.

Submission:

Ambry Genetics
Classification: Uncertain significance for Cardiovascular phenotype. Last evaluated: 2026-08-24. Review status: criteria provided, single submitter. Criteria: Ambry Variant Classification Scheme 2023. Collection method: clinical testing. Allele origin: germline.
Comment: The p.E59A variant (also known as c.176A>C), located in coding exon 2 of the ACVRL1 gene, results from an A to C substitution at nucleotide position 176. The glutamic acid at codon 59 is replaced by alanine, an amino acid with dissimilar properties. This amino acid position is conserved. In addition, this alteration is predicted to be tolerated by in silico analysis. Based on the available evidence, the clinical significance of this variant remains unclear.

NM_000020.3(ACVRL1):c.176A>C (p.Glu59Ala)

Gene: ACVRL1 (activin A receptor like type 1; plus strand). Cytogenetic location: 12q13.13.
Variant type: single nucleotide variant.
Coding change: c.176A>C on transcript NM_000020.3 (MANE Select); coding-DNA position 176, A replaced by C.
Protein change: p.Glu59Ala; replaces glutamic acid 59 with alanine.
Molecular consequence: missense variant. On other transcripts: intron variant (1).
Genome position (GRCh38, 1-based): chr12:51,913,213, A>C. VCF-style: chr12-51913213-A-C. GRCh37 (hg19) VCF-style: chr12-52306997-A-C.
Other names: c.176A>C, p.Glu59Ala (NM_001077401.2, NM_001406487.1, NM_001406488.1 and 6 more transcripts); c.61+678A>C (NM_001406495.1); short protein forms E59A.
Identifiers: ClinVar variation 5032747 (VCV005032747.1).